The following is an entry in ClinVar:

ClinVar aggregate classification (germline): Pathogenic. Review status: criteria provided, single submitter (1 of 4 stars). 2 submissions from 2 submitters: Pathogenic (1). 1 of the submissions does not count toward it. Last evaluated 2025-02-25.

Conditions:
Hypodontia. Also called: Partial congenital absence of teeth; TOOTH AGENESIS, FAMILIAL; Tooth agenesis, selective. Identifiers: Orphanet 99798, MedGen C0020608, MONDO:0005486, HP:0000668. Disease mechanism: loss of function.
Oligodontia. Identifiers: MedGen C4082304, HP:0000677.

Submissions (2):

Labcorp Genetics (formerly Invitae), Labcorp
Classification: Pathogenic for Hypodontia. Last evaluated: 2025-02-25. Review status: criteria provided, single submitter. Criteria: Invitae Variant Classification Sherloc (09022015). Collection method: clinical testing. Allele origin: germline.
Comment: This sequence change replaces serine, which is neutral and polar, with leucine, which is neutral and non-polar, at codon 49 of the PAX9 protein (p.Ser49Leu). This variant is not present in population databases (gnomAD no frequency). This missense change has been observed in individual(s) with oligodontia (PMID: 22581971, 24436340, 37056289). In at least one individual the variant was observed to be de novo. ClinVar contains an entry for this variant (Variation ID: 1064704). Invitae Evidence Modeling of protein sequence and biophysical properties (such as structural, functional, and spatial information, amino acid conservation, physicochemical variation, residue mobility, and thermodynamic stability) indicates that this missense variant is expected to disrupt PAX9 protein function with a positive predictive value of 80%. Experimental studies have shown that this missense change affects PAX9 function (PMID: 24436340, 37056289). For these reasons, this variant has been classified as Pathogenic.

Department of Prosthodontics, School and Hospital of Stomatology, Hebei Medical University and Hebei Key Laboratory of Stomatology
Classification: Pathogenic for Oligodontia. Review status: no assertion criteria provided. Collection method: research. Allele origin: unknown. Affected: yes. Observed: 1 variant allele, 1 heterozygote. Not counted in ClinVar's aggregate classification.
Comment: SIFT, Polyphen2 and FATHMM predictions for the mutation were "deleterious" (0.00), "probably damaging" (0.996), and "Deleterious" (-6.45), respectively, suggesting the variant was highly pathogenic.

Literature cited by the submitters: PubMed 22581971 (cited by Labcorp Genetics (formerly Invitae), Labcorp); PubMed 24436340 (cited by Labcorp Genetics (formerly Invitae), Labcorp); PubMed 37056289 (cited by Labcorp Genetics (formerly Invitae), Labcorp); PubMed 29969831 (cited by Department of Prosthodontics, School and Hospital of Stomatology, Hebei Medical University and Hebei Key Laboratory of Stomatology).

NM_001372076.1(PAX9):c.146C>T (p.Ser49Leu)

Gene: PAX9 (paired box 9; plus strand). Cytogenetic location: 14q13.3.
Variant type: single nucleotide variant.
Coding change: c.146C>T on transcript NM_001372076.1 (MANE Select); coding-DNA position 146, C replaced by T.
Protein change: p.Ser49Leu; replaces serine 49 with leucine.
Molecular consequence: missense variant.
Genome position (GRCh38, 1-based): chr14:36,663,038, C>T. VCF-style: chr14-36663038-C-T. GRCh37 (hg19) VCF-style: chr14-37132243-C-T.
Other names: c.146C>T, p.Ser49Leu (NM_006194.4); short protein forms S49L.
Identifiers: ClinVar variation 1064704 (VCV001064704.3), dbSNP rs2139107979, ClinGen allele CA389466210.
Genomic context (GRCh38, chr14:36,663,038, plus strand): 5'-TCGTGGAACTGGCCCAACTGGGCATCCGACCGTGTGACATCAGCCGCCAGCTACGGGTCT[C>T]GCACGGCTGCGTCAGCAAGATCCTGGCGCGATACAACGAGACGGGCTCGATCTTGCCAGG-3'
Protein context (NP_001359005.1, residues 39-59): PCDISRQLRV[Ser49Leu]HGCVSKILAR